The following is an entry in ClinVar:

ClinVar aggregate classification (germline): Uncertain significance. Review status: criteria provided, multiple submitters, no conflicts (2 of 4 stars). 3 submissions from 3 submitters: Uncertain significance (3). Last evaluated 2025-07-31.

Conditions:
Hereditary cancer-predisposing syndrome. Also called: Hereditary neoplastic syndrome; Neoplastic Syndromes, Hereditary; Tumor predisposition; Hereditary Cancer Syndrome. Identifiers: Orphanet 140162, MedGen C0027672, MeSH D009386, MONDO:0015356.

Submissions (3):

Labcorp Genetics (formerly Invitae), Labcorp
Classification: Uncertain significance. Last evaluated: 2025-07-31. Review status: criteria provided, single submitter. Criteria: Invitae Variant Classification Sherloc (09022015). Collection method: clinical testing. Allele origin: germline.
Comment: This sequence change replaces aspartic acid, which is acidic and polar, with asparagine, which is neutral and polar, at codon 435 of the POLE protein (p.Asp435Asn). This variant is not present in population databases (gnomAD no frequency). This variant has not been reported in the literature in individuals affected with POLE-related conditions. ClinVar contains an entry for this variant (Variation ID: 246471). Invitae Evidence Modeling of protein sequence and biophysical properties (such as structural, functional, and spatial information, amino acid conservation, physicochemical variation, residue mobility, and thermodynamic stability) indicates that this missense variant is not expected to disrupt POLE protein function with a negative predictive value of 80%. In summary, the available evidence is currently insufficient to determine the role of this variant in disease. Therefore, it has been classified as a Variant of Uncertain Significance.

Ambry Genetics
Classification: Uncertain significance for Hereditary cancer-predisposing syndrome. Last evaluated: 2021-12-18. Review status: criteria provided, single submitter. Criteria: Ambry Variant Classification Scheme 2023. Collection method: clinical testing. Allele origin: germline.
Comment: The p.D435N variant (also known as c.1303G>A), located in coding exon 13 of the POLE gene, results from a G to A substitution at nucleotide position 1303. The aspartic acid at codon 435 is replaced by asparagine, an amino acid with highly similar properties. This amino acid position is conserved. In addition, this alteration is predicted to be tolerated by in silico analysis. Since supporting evidence is limited at this time, the clinical significance of this alteration remains unclear.

GeneDx
Classification: Uncertain significance. Last evaluated: 2016-03-03. Review status: criteria provided, single submitter. Criteria: GeneDx Variant Classification (06012015). Collection method: clinical testing. Allele origin: germline. Affected: yes.
Comment: This variant is denoted POLE c.1303G>A at the cDNA level, p.Asp435Asn (D435N) at the protein level, and results in the change of an Aspartic Acid to an Asparagine (GAT>AAT). This variant has not, to our knowledge, been published in the literature as pathogenic or benign. POLE Asp435Asn was not observed in approximately 6,500 individuals of European and African American ancestry in the NHLBI Exome Sequencing Project, suggesting it is not a common benign variant in these populations. Since Aspartic Acid and Asparagine differ in some properties, this is considered a semi-conservative amino acid substitution. POLE Asp435Asn occurs at a position that is conserved across species and is located within the exonuclease domain (Preston 2010). In silico analyses are inconsistent regarding the effect this variant may have on protein structure and function. Based on currently available evidence, it is unclear whether POLE Asp435Asn is a pathogenic or benign variant. We consider it to be a variant of uncertain significance.

NM_006231.4(POLE):c.1303G>A (p.Asp435Asn)

Gene: POLE (DNA polymerase epsilon, catalytic subunit; minus strand). Cytogenetic location: 12q24.33.
Variant type: single nucleotide variant.
Coding change: c.1303G>A on transcript NM_006231.4 (MANE Select); coding-DNA position 1303, G replaced by A.
Protein change: p.Asp435Asn; replaces aspartic acid 435 with asparagine.
Molecular consequence: missense variant.
Genome position (GRCh38, 1-based): chr12:132,673,631, C>T on the plus strand (G>A on the coding strand, the complement: POLE is on the minus strand). VCF-style: chr12-132673631-C-T. GRCh37 (hg19) VCF-style: chr12-133250217-C-T.
Other names: short protein forms D435N.
Identifiers: ClinVar variation 246471 (VCV000246471.11), dbSNP rs879254276, ClinGen allele CA10584411.